The following is an entry in ClinVar:

NM_004525.3(LRP2):c.5243_5244insTTTTTTTTTTTTTTTTTTTTNNNNNNNNNNGGGGTTTCACCGTTTTAGCCGGGATGGTCTCGATCTCCTGACCTCGTGATCCGCCCGCCTCGGCCTCCCCAACCTTTCTT (p.Leu1748delinsPhePhePhePhePhePhePheXaaXaaXaaXaaGlyPheHisArgPheSerArgAspGlyLeuAspLeuLeuThrSerTer)

Gene: LRP2 (LDL receptor related protein 2; minus strand). Cytogenetic location: 2q31.1.
Variant type: Insertion.
Coding change: c.5243_5244insTTTTTTTTTTTTTTTTTTTTNNNNNNNNNNGGGGTTTCACCGTTTTAGCCGGGATGGTCTCGATCTCCTGACCTCGTGATCCGCCCGCCTCGGCCTCCCCAACCTTTCTT on transcript NM_004525.3 (MANE Select); coding-DNA positions 5243 to 5244, TTTTTTTTTTTTTTTTTTTTNNNNNNNNNNGGGGTTTCACCGTTTTAGCCGGGATGGTCTCGATCTCCTGACCTCGTGATCCGCCCGCCTCGGCCTCCCCAACCTTTCTT inserted.
Protein change: p.Leu1748delinsPhePhePhePhePhePhePheXaaXaaXaaXaaGlyPheHisArgPheSerArgAspGlyLeuAspLeuLeuThrSerTer.
Molecular consequence: nonsense.
Genome position: GRCh38: chr2:169,226,583-169,226,584. GRCh37 (hg19): chr2:170,083,093-170,083,094.
Identifiers: ClinVar variation 1457995 (VCV001457995.6), dbSNP rs2105361718.

ClinVar aggregate classification (germline): Pathogenic (1 of 4 stars; one submission).

Submission:

Labcorp Genetics (formerly Invitae), Labcorp
Classification: Pathogenic. Last evaluated: 2021-08-31. Review status: criteria provided, single submitter. Criteria: Invitae Variant Classification Sherloc (09022015). Collection method: clinical testing. Allele origin: germline.
Comment: This sequence change inserts a large fragment of DNA, likely a transposable element, in exon 32 of the LRP2 gene (c.5243_5244ins?), causing a frameshift at codon 1748 (p.Leu1748fs). The exact size and sequence of the insertion cannot be determined by the current assay. However, the insertion is expected to result in an absent or disrupted protein product. This variant is not present in population databases (ExAC no frequency). This variant has not been reported in the literature in individuals affected with LRP2-related conditions. Retrotransposon insertions including LINE1 (L1), Alu, and SVA (SINE-VNTR-Alu) have been reported to be disease-causing through disruption of either a coding region or splice site (PMID: 19763152, 20307669, 22406018) and loss-of-function variants in LRP2 are known to be pathogenic (PMID: 17632512, 25682901). For these reasons, this variant has been classified as Pathogenic.

Literature cited by the submitters: PubMed 19763152; PubMed 20307669; PubMed 22406018; PubMed 17632512; PubMed 25682901.